The following is an entry in ClinVar:

ClinVar aggregate classification (germline): Likely benign. Review status: criteria provided, single submitter (1 of 4 stars). 2 submissions from 2 submitters: Likely benign (1). 1 of the submissions does not count toward it. Last evaluated 2025-12-22.

Conditions:
PDE6B-related disorder. Also called: PDE6B-related disease; PDE6B-related condition; PDE6B-related disorders.

Allele frequency attached by ClinVar (database versions not stated): gnomAD exomes 0.00001; TOPMed 0.00002; ExAC 0.00003; ESP Exome Variant Server 0.00008.
gnomAD v4.1: 26 of 1,562,738 alleles (0.0017%); highest among the groups gnomAD compares: East Asian, 0.0024%; no homozygotes.

Submissions (2):

Labcorp Genetics (formerly Invitae), Labcorp
Classification: Likely benign. Last evaluated: 2025-12-22. Review status: criteria provided, single submitter. Criteria: Invitae Variant Classification Sherloc (09022015). Collection method: clinical testing. Allele origin: germline.

PreventionGenetics, part of Exact Sciences
Classification: Likely benign for PDE6B-related condition. Last evaluated: 2019-05-03. Review status: no assertion criteria provided. Collection method: clinical testing. Allele origin: germline. Not counted in ClinVar's aggregate classification.
Comment: This variant is classified as likely benign based on ACMG/AMP sequence variant interpretation guidelines (Richards et al. 2015 PMID: 25741868, with internal and published modifications).

NM_000283.4(PDE6B):c.1704G>A (p.Thr568=)

Gene: PDE6B (phosphodiesterase 6B; plus strand). Cytogenetic location: 4p16.3.
Variant type: single nucleotide variant.
Coding change: c.1704G>A on transcript NM_000283.4 (MANE Select); coding-DNA position 1704, G replaced by A.
Protein change: p.Thr568=; no amino-acid change (threonine 568 retained).
Molecular consequence: synonymous variant.
Genome position (GRCh38, 1-based): chr4:662,223, G>A. VCF-style: chr4-662223-G-A. GRCh37 (hg19) VCF-style: chr4-656012-G-A.
Other names: c.1704G>A, p.Thr568= (NM_001145291.2); c.867G>A, p.Thr289= (NM_001145292.2, NM_001350154.3, NM_001379246.1 and 1 more transcripts); c.549G>A, p.Thr183= (NM_001350155.3); c.1704G>A (NM_000283.3).
Identifiers: ClinVar variation 1089667 (VCV001089667.11), dbSNP rs143615664, ClinGen allele CA2794638.